The following is an entry in ClinVar:

NM_172107.4(KCNQ2):c.826A>C (p.Thr276Pro)

Gene: KCNQ2 (potassium voltage-gated channel subfamily Q member 2; minus strand). Cytogenetic location: 20q13.33.
Variant type: single nucleotide variant.
Coding change: c.826A>C on transcript NM_172107.4 (MANE Select); coding-DNA position 826, A replaced by C.
Protein change: p.Thr276Pro; replaces threonine 276 with proline.
Molecular consequence: missense variant.
Genome position (GRCh38, 1-based): chr20:63,439,699, T>G on the plus strand (A>C on the coding strand, the complement: KCNQ2 is on the minus strand). VCF-style: chr20-63439699-T-G. GRCh37 (hg19) VCF-style: chr20-62071052-T-G.
Other names: c.826A>C (NM_172107.2); c.826A>C, p.Thr276Pro (NM_001382235.1, NM_004518.6, NM_172106.3 and 2 more transcripts); short protein forms T276P.
Identifiers: ClinVar variation 2152330 (VCV002152330.8), dbSNP rs2516420994, ClinGen allele CA409652752.

ClinVar aggregate classification (germline): Pathogenic/Likely pathogenic. Review status: criteria provided, multiple submitters, no conflicts (2 of 4 stars). 2 submissions from 2 submitters: Pathogenic (1); Likely pathogenic (1). Last evaluated 2026-02-06.

Conditions:
Early-infantile DEE. Also called: Early infantile epileptic encephalopathy; Ohtahara syndrome; Early infantile epileptic encephalopathy with suppression bursts. Identifiers: Orphanet 1934, MedGen C0393706, MONDO:0800491.

Submissions (8):

GeneDx
Classification: Pathogenic. Last evaluated: 2026-02-06. Review status: criteria provided, single submitter. Criteria: GeneDx Variant Classification Process June 2021. Collection method: clinical testing. Allele origin: germline.
Comment: Not observed at significant frequency in large population cohorts (gnomAD); In silico analysis supports that this missense variant has a deleterious effect on protein structure/function; This variant is associated with the following publications: (PMID: 29720203, 27602407)

Labcorp Genetics (formerly Invitae), Labcorp
Classification: Likely pathogenic for Early-infantile DEE. Last evaluated: 2022-01-31. Review status: criteria provided, single submitter. Criteria: Invitae Variant Classification Sherloc (09022015). Collection method: clinical testing. Allele origin: germline.
Comment: This missense change has been observed in individual(s) with clinical features of KCNQ2-related conditions (PMID: 29720203). This variant is not present in population databases (gnomAD no frequency). This sequence change replaces threonine, which is neutral and polar, with proline, which is neutral and non-polar, at codon 276 of the KCNQ2 protein (p.Thr276Pro). In summary, the currently available evidence indicates that the variant is pathogenic, but additional data are needed to prove that conclusively. Therefore, this variant has been classified as Likely Pathogenic. This variant disrupts the p.Thr276 amino acid residue in KCNQ2. Other variant(s) that disrupt this residue have been determined to be pathogenic (PMID: 24463883; Invitae). This suggests that this residue is clinically significant, and that variants that disrupt this residue are likely to be disease-causing. Advanced modeling of protein sequence and biophysical properties (such as structural, functional, and spatial information, amino acid conservation, physicochemical variation, residue mobility, and thermodynamic stability) performed at Invitae indicates that this missense variant is expected to disrupt KCNQ2 protein function.

Channelopathy-Associated Epilepsy Research Center
No classification provided (evidence only). Condition: Complex neurodevelopmental disorder. Review status: no classification provided. Collection method: literature only. Allele origin: not applicable. Functional consequence: Severe decrease in peak current, Severe slowing of activation, Normal voltage dependence of activation. Not counted in ClinVar's aggregate classification.
ClinVar note: "not provided" was previously submitted as the classification for the variant. However, the classification appeared to be based only on an observation of functional data so it was converted to no classification on 2025-07-30.

Channelopathy-Associated Epilepsy Research Center
No classification provided (evidence only). Review status: no classification provided. Collection method: in vitro. Allele origin: not applicable. Functional consequence: Decrease in peak current. Not counted in ClinVar's aggregate classification.

Channelopathy-Associated Epilepsy Research Center
No classification provided (evidence only). Review status: no classification provided. Collection method: in vitro. Allele origin: not applicable. Functional consequence: Decrease in peak current. Not counted in ClinVar's aggregate classification.

Channelopathy-Associated Epilepsy Research Center
No classification provided (evidence only). Review status: no classification provided. Collection method: in vitro. Allele origin: not applicable. Functional consequence: Normal voltage dependence of activation. Not counted in ClinVar's aggregate classification.

Channelopathy-Associated Epilepsy Research Center
No classification provided (evidence only). Review status: no classification provided. Collection method: in vitro. Allele origin: not applicable. Functional consequence: Normal slope of activation. Not counted in ClinVar's aggregate classification.

Channelopathy-Associated Epilepsy Research Center
No classification provided (evidence only). Review status: no classification provided. Collection method: in vitro. Allele origin: not applicable. Functional consequence: Normal rate of activation. Not counted in ClinVar's aggregate classification.

Literature cited by the submitters: PubMed 29720203 (cited by Labcorp Genetics (formerly Invitae), Labcorp); PubMed 24463883 (cited by Labcorp Genetics (formerly Invitae), Labcorp); PubMed 35104249 (cited by Channelopathy-Associated Epilepsy Research Center).